The following is an entry in ClinVar:

ClinVar aggregate classification (germline): Likely benign. Review status: criteria provided, multiple submitters, no conflicts (2 of 4 stars). 2 submissions from 2 submitters: Likely benign (2). Last evaluated 2026-05-01.

Conditions:
COG5-congenital disorder of glycosylation. Also called: COG5-CDG; CDG IIi; CONGENITAL DISORDER OF GLYCOSYLATION, TYPE IIi. Identifiers: Orphanet 263487, MedGen C3150876, MONDO:0013325, OMIM 613612.

Allele frequency attached by ClinVar (database versions not stated): gnomAD exomes 0.00001 and 0.00003; gnomAD 0.00002 and 0.00003; TOPMed 0.00002.
gnomAD v4.1: 55 of 1,612,856 alleles (0.0034%); highest among the groups gnomAD compares: Admixed American, 0.0083%; no homozygotes.

Submissions (2):

CeGaT Center for Human Genetics Tuebingen
Classification: Likely benign. Last evaluated: 2026-05-01. Review status: criteria provided, single submitter. Criteria: CeGaT Center For Human Genetics Tuebingen Variant Classification Criteria Version 2. Collection method: clinical testing. Allele origin: germline. Affected: yes. Observed: 1 variant allele.
Comment: COG5: BP4, BP7

Labcorp Genetics (formerly Invitae), Labcorp
Classification: Likely benign for COG5-congenital disorder of glycosylation. Last evaluated: 2025-02-02. Review status: criteria provided, single submitter. Criteria: Invitae Variant Classification Sherloc (09022015). Collection method: clinical testing. Allele origin: germline.

NM_006348.5(COG5):c.639G>A (p.Lys213=)

Gene: COG5 (component of oligomeric golgi complex 5; minus strand). Cytogenetic location: 7q22.3.
Variant type: single nucleotide variant.
Coding change: c.639G>A on transcript NM_006348.5 (MANE Select); coding-DNA position 639, G replaced by A.
Protein change: p.Lys213=; no amino-acid change (lysine 213 retained).
Molecular consequence: synonymous variant. On other transcripts: intron variant (2).
Genome position (GRCh38, 1-based): chr7:107,412,532, C>T on the plus strand (G>A on the coding strand, the complement: COG5 is on the minus strand). VCF-style: chr7-107412532-C-T. GRCh37 (hg19) VCF-style: chr7-107052977-C-T.
Other names: c.639G>A, p.Lys213= (NM_001161520.2, NM_001379511.1, NM_001379512.1 and 3 more transcripts); c.235-50422G>A (NM_001379516.1); c.539-114186G>A (NM_001379515.1).
Identifiers: ClinVar variation 1610773 (VCV001610773.10), dbSNP rs925413684, ClinGen allele CA164714644.